The following is an entry in ClinVar:

NM_004655.4(AXIN2):c.1627T>C (p.Cys543Arg)

Gene: AXIN2 (axin 2; minus strand). Cytogenetic location: 17q24.1.
Variant type: single nucleotide variant.
Coding change: c.1627T>C on transcript NM_004655.4 (MANE Select); coding-DNA position 1627, T replaced by C.
Protein change: p.Cys543Arg; replaces cysteine 543 with arginine.
Molecular consequence: missense variant.
Genome position (GRCh38, 1-based): chr17:65,537,409, A>G on the plus strand (T>C on the coding strand, the complement: AXIN2 is on the minus strand). VCF-style: chr17-65537409-A-G. GRCh37 (hg19) VCF-style: chr17-63533527-A-G.
Other names: c.1627T>C, p.Cys543Arg (NM_001363813.1); short protein forms C543R.
Identifiers: ClinVar variation 2451648 (VCV002451648.3), dbSNP rs2509411985, ClinGen allele CA400677101.

ClinVar aggregate classification (germline): Uncertain significance. Review status: criteria provided, multiple submitters, no conflicts (2 of 4 stars). 2 submissions from 2 submitters: Uncertain significance (2). Last evaluated 2023-07-13.

Conditions:
Hereditary cancer-predisposing syndrome. Also called: Neoplastic Syndromes, Hereditary; Tumor predisposition; Hereditary neoplastic syndrome; Hereditary Cancer Syndrome. Identifiers: Orphanet 140162, MedGen C0027672, MeSH D009386, MONDO:0015356.

Submissions (2):

GeneDx
Classification: Uncertain significance. Last evaluated: 2023-07-13. Review status: criteria provided, single submitter. Criteria: GeneDx Variant Classification Process June 2021. Collection method: clinical testing. Allele origin: germline. Affected: yes.
Comment: Not observed at significant frequency in large population cohorts (gnomAD); In silico analysis supports that this missense variant has a deleterious effect on protein structure/function; Has not been previously published as pathogenic or benign to our knowledge

Ambry Genetics
Classification: Uncertain significance for Hereditary cancer-predisposing syndrome. Last evaluated: 2022-12-15. Review status: criteria provided, single submitter. Criteria: Ambry Variant Classification Scheme 2023. Collection method: clinical testing. Allele origin: germline.
Comment: The p.C543R variant (also known as c.1627T>C), located in coding exon 5 of the AXIN2 gene, results from a T to C substitution at nucleotide position 1627. The cysteine at codon 543 is replaced by arginine, an amino acid with highly dissimilar properties. This amino acid position is conserved. In addition, this alteration is predicted to be tolerated by in silico analysis. Since supporting evidence is limited at this time, the clinical significance of this alteration remains unclear.